The following is an entry in ClinVar:

NM_000535.7(PMS2):c.-27C>A

Gene: PMS2 (PMS1 homolog 2, mismatch repair system component; minus strand). Cytogenetic location: 7p22.1.
Variant type: single nucleotide variant.
Coding change: c.-27C>A on transcript NM_000535.7 (MANE Select); 27 bases upstream of the start codon, C replaced by A.
Molecular consequence: 5 prime UTR variant. On other transcripts: non-coding transcript variant (1).
Genome position (GRCh38, 1-based): chr7:6,009,046, G>T on the plus strand (C>A on the coding strand, the complement: PMS2 is on the minus strand). VCF-style: chr7-6009046-G-T. GRCh37 (hg19) VCF-style: chr7-6048677-G-T.
Other names: c.-427C>A (NM_001322003.2, NM_001322013.2); c.-292C>A (NM_001322004.2, NM_001322010.2); c.-622C>A (NM_001322005.2); c.-27C>A (NM_001322006.2, NM_001322014.2); c.-242C>A (NM_001322007.2); c.-102C>A (NM_001322008.2); c.-617C>A (NM_001322009.2); c.-911C>A (NM_001322011.2); and 2 more.
Identifiers: ClinVar variation 381927 (VCV000381927.1), dbSNP rs774137874, ClinGen allele CA048979.

ClinVar aggregate classification (germline): Likely benign (1 of 4 stars; one submission).

Allele frequency attached by ClinVar (database versions not stated): TOPMed 0.00003; gnomAD exomes below 0.00001; ExAC 0.00001; gnomAD 0.00007 and 0.00003.

Submission:

GeneDx
Classification: Likely benign. Last evaluated: 2017-12-08. Review status: criteria provided, single submitter. Criteria: GeneDx Variant Classification (06012015). Collection method: clinical testing. Allele origin: germline. Affected: yes.
Comment: This variant is considered likely benign or benign based on one or more of the following criteria: it is a conservative change, it occurs at a poorly conserved position in the protein, it is predicted to be benign by multiple in silico algorithms, and/or has population frequency not consistent with disease.